The following is an entry in ClinVar:

ClinVar aggregate classification (germline): Uncertain significance (1 of 4 stars; one submission).

Conditions:
Adenylosuccinate lyase deficiency (ADSLD). Also called: ADSL DEFICIENCY. Identifiers: Orphanet 46, MedGen C0268126, MONDO:0007068, OMIM 103050.

Submission:

Labcorp Genetics (formerly Invitae), Labcorp
Classification: Uncertain significance for Adenylosuccinate lyase deficiency. Last evaluated: 2025-05-12. Review status: criteria provided, single submitter. Criteria: Invitae Variant Classification Sherloc (09022015). Collection method: clinical testing. Allele origin: germline.
Comment: This variant occurs in a non-coding region of the ADSL gene. It does not change the encoded amino acid sequence of the ADSL protein. This variant is not present in population databases (gnomAD no frequency). This variant has not been reported in the literature in individuals affected with ADSL-related conditions. Experimental studies and prediction algorithms are not available or were not evaluated, and the functional significance of this variant is currently unknown. In summary, the available evidence is currently insufficient to determine the role of this variant in disease. Therefore, it has been classified as a Variant of Uncertain Significance.

NC_000022.11:g.40345692G>A

Gene: ADSL (adenylosuccinate lyase; plus strand). Cytogenetic location: 22q13.1.
Variant type: single nucleotide variant.
Genome position: GRCh38 VCF-style: chr22-40345692-G-A. GRCh37 (hg19) VCF-style: chr22-40741696-G-A.
Identifiers: ClinVar variation 4803917 (VCV004803917.1).